The following is an entry in ClinVar:

ClinVar aggregate classification (germline): Uncertain significance. Review status: criteria provided, multiple submitters, no conflicts (2 of 4 stars). 4 submissions from 4 submitters: Uncertain significance (4). Last evaluated 2025-04-17.

Conditions:
Bone mineral density quantitative trait locus 1 (BMND1). Identifiers: MedGen C1866079, OMIM 601884.
Exudative vitreoretinopathy 4 (EVR4). Identifiers: Orphanet 891, MedGen C1866176, MONDO:0011151, OMIM 601813.
Autosomal dominant osteopetrosis 1 (OPTA1). Also called: OSTEOPETROSIS, AUTOSOMAL DOMINANT, TYPE I. Identifiers: Orphanet 2783, MedGen C1843330, MONDO:0011877, OMIM 607634.
Osteoporosis. Identifiers: MedGen C0029456, MONDO:0005298, OMIM 166710, HP:0000939.
Exudative vitreoretinopathy 1 (EVR1). Also called: CRISWICK-SCHEPENS SYNDROME; FEVR, AUTOSOMAL DOMINANT; Familial exudative vitreoretinopathy, autosomal dominant. Identifiers: Orphanet 891, Orphanet 90050, MedGen C1851402, MONDO:0007589, OMIM 133780.
Worth disease. Also called: OSTEOSCLEROSIS, AUTOSOMAL DOMINANT; Autosomal dominant osteosclerosis, Worth type; ENDOSTEAL HYPEROSTOSIS, AUTOSOMAL DOMINANT. Identifiers: Orphanet 2790, MedGen C0432273, MONDO:0007764, OMIM 144750.
Polycystic liver disease 4 with or without kidney cysts. Identifiers: MedGen C4693479, MONDO:0044327, OMIM 617875.
Osteoporosis with pseudoglioma (OPPG). Also called: osteoporosis-pseudoglioma syndrome. Identifiers: Orphanet 2788, MedGen C0432252, MONDO:0009820, OMIM 259770.

Allele frequency attached by ClinVar (database versions not stated): gnomAD 0.00001; gnomAD exomes 0.00002 and 0.00004; TOPMed 0.00002; ExAC 0.00004.
gnomAD v4.1: 25 of 1,610,630 alleles (0.0016%); highest among the groups gnomAD compares: South Asian, 0.0077%; no homozygotes.

Submissions (4):

Labcorp Genetics (formerly Invitae), Labcorp
Classification: Uncertain significance. Last evaluated: 2025-04-17. Review status: criteria provided, single submitter. Criteria: Invitae Variant Classification Sherloc (09022015). Collection method: clinical testing. Allele origin: germline.
Comment: This sequence change replaces alanine, which is neutral and non-polar, with valine, which is neutral and non-polar, at codon 1586 of the LRP5 protein (p.Ala1586Val). This variant is present in population databases (rs767157733, gnomAD 0.01%). This variant has not been reported in the literature in individuals affected with LRP5-related conditions. ClinVar contains an entry for this variant (Variation ID: 1399166). Invitae Evidence Modeling of protein sequence and biophysical properties (such as structural, functional, and spatial information, amino acid conservation, physicochemical variation, residue mobility, and thermodynamic stability) indicates that this missense variant is not expected to disrupt LRP5 protein function with a negative predictive value of 95%. In summary, the available evidence is currently insufficient to determine the role of this variant in disease. Therefore, it has been classified as a Variant of Uncertain Significance.

Blueprint Genetics
Classification: Uncertain significance. Last evaluated: 2022-05-14. Review status: criteria provided, single submitter. Criteria: ACMG Guidelines, 2015. Collection method: clinical testing. Allele origin: germline.

Fulgent Genetics
Classification: Uncertain significance for Exudative vitreoretinopathy 1; Worth disease; Osteoporosis; Osteoporosis with pseudoglioma; Exudative vitreoretinopathy 4; Bone mineral density quantitative trait locus 1; Autosomal dominant osteopetrosis 1; Polycystic liver disease 4 with or without kidney cysts. Last evaluated: 2021-09-11. Review status: criteria provided, single submitter. Criteria: ACMG Guidelines, 2015. Collection method: clinical testing. Allele origin: unknown.

Breakthrough Genomics
Classification: Uncertain significance. Review status: criteria provided, single submitter. Criteria: ACMG Guidelines, 2015. Collection method: not provided. Allele origin: germline. Inheritance: Autosomal recessive inheritance. Affected: yes.

NM_002335.4(LRP5):c.4757C>T (p.Ala1586Val)

Gene: LRP5 (LDL receptor related protein 5; plus strand). Cytogenetic location: 11q13.2.
Variant type: single nucleotide variant.
Coding change: c.4757C>T on transcript NM_002335.4 (MANE Select); coding-DNA position 4757, C replaced by T.
Protein change: p.Ala1586Val; replaces alanine 1586 with valine.
Molecular consequence: missense variant.
Genome position (GRCh38, 1-based): chr11:68,448,979, C>T. VCF-style: chr11-68448979-C-T. GRCh37 (hg19) VCF-style: chr11-68216447-C-T.
Other names: c.3014C>T, p.Ala1005Val (NM_001291902.2); short protein forms A1005V, A1586V.
Identifiers: ClinVar variation 1399166 (VCV001399166.9), dbSNP rs767157733, ClinGen allele CA6150502.